The following is an entry in ClinVar:

ClinVar aggregate classification (germline): Likely benign. Review status: criteria provided, single submitter (1 of 4 stars). 2 submissions from 2 submitters: Likely benign (1). 1 of the submissions does not count toward it. Last evaluated 2025-12-17.

Conditions:
RERE-related disorder. Also called: RERE-related condition; RERE-Related Disorders. Identifiers: MedGen CN381537.

Submissions (2):

Labcorp Genetics (formerly Invitae), Labcorp
Classification: Likely benign. Last evaluated: 2025-12-17. Review status: criteria provided, single submitter. Criteria: Invitae Variant Classification Sherloc (09022015). Collection method: clinical testing. Allele origin: germline.

PreventionGenetics, part of Exact Sciences
Classification: Uncertain significance for RERE-related condition. Last evaluated: 2024-01-22. Review status: no assertion criteria provided. Collection method: clinical testing. Allele origin: germline. Not counted in ClinVar's aggregate classification.
Comment: The RERE c.3588_3593del6 variant is predicted to result in an in-frame deletion (p.Arg1200_Glu1201del). To our knowledge, this variant has not been reported in the literature. This variant is reported in 0.0082% of alleles in individuals of African descent in gnomAD. At this time, the clinical significance of this variant is uncertain due to the absence of conclusive functional and genetic evidence.

NM_001042681.2(RERE):c.3588_3593del (p.1192RE[4])

Gene: RERE (arginine-glutamic acid dipeptide repeats; minus strand). Cytogenetic location: 1p36.23.
Variant type: Deletion.
Coding change: c.3588_3593del on transcript NM_001042681.2 (MANE Select); coding-DNA positions 3588 to 3593, 6 bases deleted (AGAGCG; older notation c.3588_3593delAGAGCG).
Protein change: p.1192RE[4].
Molecular consequence: inframe deletion.
Genome position (GRCh38, 1-based): chr1:8,359,789-8,359,794, CGCTCT deleted on the plus strand (AGAGCG on the coding strand, the reverse complement: RERE is on the minus strand); deleting any 6 consecutive bases within chr1:8,359,789-8,359,799 gives the same sequence; the c. name uses the placement nearest the transcript's 3' end. VCF-style (leftmost placement, unchanged base first): chr1-8359788-CCGCTCT-C. GRCh37 (hg19) VCF-style: chr1-8419848-CCGCTCT-C.
Other names: c.3588_3593del6 (NM_012102.3); c.1926_1931del, p.638RE[4] (NM_001042682.2); c.3588_3593del, p.1192RE[4] (NM_012102.4).
Identifiers: ClinVar variation 2071029 (VCV002071029.6), dbSNP rs769497707, ClinGen allele CA571090.